The following is an entry in ClinVar:

NM_005529.7(HSPG2):c.12149C>T (p.Thr4050Ile)

Gene: HSPG2 (heparan sulfate proteoglycan 2; minus strand). Cytogenetic location: 1p36.12.
Variant type: single nucleotide variant.
Coding change: c.12149C>T on transcript NM_005529.7 (MANE Select); coding-DNA position 12149, C replaced by T.
Protein change: p.Thr4050Ile; replaces threonine 4050 with isoleucine.
Molecular consequence: missense variant.
Genome position (GRCh38, 1-based): chr1:21,828,923, G>A on the plus strand (C>T on the coding strand, the complement: HSPG2 is on the minus strand). VCF-style: chr1-21828923-G-A. GRCh37 (hg19) VCF-style: chr1-22155416-G-A.
Other names: c.12149C>T (NM_005529.5); c.12152C>T, p.Thr4051Ile (NM_001291860.2); short protein forms T4050I, T4051I.
Identifiers: ClinVar variation 1436489 (VCV001436489.2), dbSNP rs777784545, ClinGen allele CA669512.

ClinVar aggregate classification (germline): Uncertain significance. Review status: criteria provided, multiple submitters, no conflicts (2 of 4 stars). 2 submissions from 2 submitters: Uncertain significance (2). Last evaluated 2025-11-21.

Conditions:
Inborn genetic diseases. Identifiers: MedGen C0950123, MeSH D030342.

Allele frequency attached by ClinVar (database versions not stated): gnomAD exomes 0.00001.
gnomAD v4.1: 2 of 1,567,314 alleles (0.00013%); no homozygotes.

Submissions (2):

Ambry Genetics
Classification: Uncertain significance for Inborn genetic diseases. Last evaluated: 2025-11-21. Review status: criteria provided, single submitter. Criteria: Ambry Variant Classification Scheme 2023. Collection method: clinical testing. Allele origin: germline.

Labcorp Genetics (formerly Invitae), Labcorp
Classification: Uncertain significance. Last evaluated: 2021-08-27. Review status: criteria provided, single submitter. Criteria: Invitae Variant Classification Sherloc (09022015). Collection method: clinical testing. Allele origin: germline.
Comment: This sequence change replaces threonine with isoleucine at codon 4050 of the HSPG2 protein (p.Thr4050Ile). The threonine residue is moderately conserved and there is a moderate physicochemical difference between threonine and isoleucine. This variant is present in population databases (rs777784545, ExAC 0.01%). This variant has not been reported in the literature in individuals affected with HSPG2-related conditions. Algorithms developed to predict the effect of missense changes on protein structure and function are either unavailable or do not agree on the potential impact of this missense change (SIFT: "Deleterious"; PolyPhen-2: "Probably Damaging"; Align-GVGD: "Class C0"). In summary, the available evidence is currently insufficient to determine the role of this variant in disease. Therefore, it has been classified as a Variant of Uncertain Significance.